The following is an entry in ClinVar:

ClinVar aggregate classification (germline): Uncertain significance (1 of 4 stars; one submission).

Submission:

Women's Health and Genetics/Laboratory Corporation of America, LabCorp
Classification: Uncertain significance. Last evaluated: 2022-05-10. Review status: criteria provided, single submitter. Criteria: LabCorp Variant Classification Summary - May 2015. Collection method: clinical testing. Allele origin: germline.
Comment: Variant summary: MEFV c.[329T>C;442G>C] (p.[Leu110Pro;Glu148Gln]) variant is a complex allele and involves the alteration of multiple nucleotides. The exact allele frequency of this complex variant could not be determined from population databases because the individual component variants have different frequencies and the exact number of alleles representing a combination of the two in cis is unknown. However, based on the frequency of the less prevalent allele in gnomAD, namely c.329T>C, it can be estimated that the complex variant allele will be found at a frequency not to exceed 0.0066 in 247780 control chromosomes. c.329T>C is often reported in the literature in association with c.442G>C (p.E148Q). The complex variant, c.[329T>C;442G>C], has been reported in the literature in individuals affected with Familial Mediterranean Fever, however the collective data do not allow any conclusion about variant significance (e.g. Domingo_2000, Kim_2007, Cornelius_2010, Oshima_2010, Endo_2020, Fujimoto_2021). Experimental evidence evaluating an impact on protein function demonstrated no damaging effect of each of the component variants in isolation; however the complex variant was not assessed (Honda_2021). No clinical diagnostic laboratories have submitted clinical-significance assessments for this complex variant combination to ClinVar after 2014. In 2018, the experts international study group for systemic autoinflammatory diseases (INSAID) reported a validated classification of uncertain significance for each of the variants in isolation (Van Gijn_2018). Based on the evidence outlined above, this complex variant was classified as uncertain significance.

Literature cited by the submitters: PubMed 19967574; PubMed 20721559; PubMed 19531756; PubMed 22467954; PubMed 17329916; PubMed 22903357; PubMed 10854105; PubMed 23166428; PubMed 25261100; PubMed 24469716; PubMed 27100444; PubMed 24383976; PubMed 29599418; PubMed 27473114; PubMed 33497256; PubMed 33733382; PubMed 33331265; PubMed 34101302; PubMed 34142384.

NM_000243.3(MEFV):c.[329T>C;442G>C]

Variant type: Haplotype.
Identifiers: ClinVar variation 1696111 (VCV001696111.1).